The following is an entry in ClinVar:

ClinVar aggregate classification (germline): Uncertain significance (1 of 4 stars; one submission).

Conditions:
Ovarian dysgenesis 1 (ODG1). Also called: Gonadal dysgenesis XX type deafness; GONADAL DYSGENESIS, XX TYPE; OVARIAN DYSGENESIS, HYPERGONADOTROPIC, AUTOSOMAL RECESSIVE; OVARIAN DYSGENESIS, HYPERGONADOTROPIC, WITH NORMAL KARYOTYPE; OVARIAN FAILURE, HYPERGONADOTROPIC. Identifiers: Orphanet 243, MedGen C0949595, MONDO:0024463, OMIM 233300.

Allele frequency attached by ClinVar (database versions not stated): gnomAD 0.00001.
gnomAD v4.1: 2 of 1,613,086 alleles (0.00012%); highest among the groups gnomAD compares: Non-Finnish European, 0.00017%; no homozygotes.

Submission:

MGZ Medical Genetics Center
Classification: Uncertain significance for Ovarian dysgenesis 1. Last evaluated: 2022-05-16. Review status: criteria provided, single submitter. Criteria: ACMG Guidelines, 2015. Collection method: clinical testing. Allele origin: germline. Affected: yes. Observed: 1 variant allele.
Comment: ACMG criteria applied: PM5, PM2_SUP

NM_000145.4(FSHR):c.43G>T (p.Gly15Cys)

Gene: FSHR (follicle stimulating hormone receptor; minus strand). Cytogenetic location: 2p16.3.
Variant type: single nucleotide variant.
Coding change: c.43G>T on transcript NM_000145.4 (MANE Select); coding-DNA position 43, G replaced by T.
Protein change: p.Gly15Cys; replaces glycine 15 with cysteine.
Molecular consequence: missense variant.
Genome position (GRCh38, 1-based): chr2:49,154,375, C>A on the plus strand (G>T on the coding strand, the complement: FSHR is on the minus strand). VCF-style: chr2-49154375-C-A. GRCh37 (hg19) VCF-style: chr2-49381514-C-A.
Other names: c.43G>T, p.Gly15Cys (NM_181446.3); short protein forms G15C.
Identifiers: ClinVar variation 1709277 (VCV001709277.2), dbSNP rs1185063342, ClinGen allele CA346817791.